The following is an entry in ClinVar:

ClinVar aggregate classification (germline): Uncertain significance. Review status: criteria provided, single submitter (1 of 4 stars). 2 submissions from 2 submitters: Uncertain significance (1). 1 of the submissions does not count toward it. Last evaluated 2024-10-09.

Conditions:
Cystic fibrosis (CF). Also called: MUCOVISCIDOSIS. Identifiers: Orphanet 586, MedGen C0010674, MONDO:0009061, OMIM 219700. Disease mechanism: loss of function.

Submissions (2):

Women's Health and Genetics/Laboratory Corporation of America, LabCorp
Classification: Uncertain significance. Last evaluated: 2024-10-09. Review status: criteria provided, single submitter. Criteria: LabCorp Variant Classification Summary - May 2015. Collection method: clinical testing. Allele origin: germline.
Comment: Variant summary: CFTR c.259T>C (p.Phe87Leu) results in a non-conservative amino acid change in the encoded protein sequence. Three of four in-silico tools predict a benign effect of the variant on protein function. The variant was absent in 250824 control chromosomes. The available data on variant occurrences in the general population are insufficient to allow any conclusion about variant significance. c.259T>C has been reported in the literature in a compound heterozygous individual affected with Cystic Fibrosis (Bienvenu_1994). These data do not allow any conclusion about variant significance. To our knowledge, no experimental evidence demonstrating an impact on protein function has been reported. The following publication have been ascertained in the context of this evaluation (PMID: 8081395). ClinVar contains an entry for this variant (Variation ID: 53520). Based on the evidence outlined above, the variant was classified as uncertain significance.

ClinVar Staff, National Center for Biotechnology Information (NCBI)
No classification provided. Condition: CFTR-related disorders. Review status: no classification provided. Collection method: literature only. Allele origin: germline. Affected: yes. Not counted in ClinVar's aggregate classification.

Literature cited by the submitters: PubMed 8081395 (cited by Women's Health and Genetics/Laboratory Corporation of America, LabCorp and ClinVar Staff, National Center for Biotechnology Information (NCBI)).

NM_000492.4(CFTR):c.259T>C (p.Phe87Leu)

Gene: CFTR (CF transmembrane conductance regulator; plus strand). Cytogenetic location: 7q31.2.
Variant type: single nucleotide variant.
Coding change: c.259T>C on transcript NM_000492.4 (MANE Select); coding-DNA position 259, T replaced by C.
Protein change: p.Phe87Leu; replaces phenylalanine 87 with leucine.
Molecular consequence: missense variant.
Genome position (GRCh38, 1-based): chr7:117,509,128, T>C. VCF-style: chr7-117509128-T-C. GRCh37 (hg19) VCF-style: chr7-117149182-T-C.
Other names: short protein forms F87L.
Identifiers: ClinVar variation 53520 (VCV000053520.2), dbSNP rs397508403, ClinGen allele CA326858.